The following is an entry in ClinVar:

ClinVar aggregate classification (germline): Uncertain significance (1 of 4 stars; one submission).

gnomAD v4.1: 3 of 1,211,679 alleles (0.00025%); highest among the groups gnomAD compares: Middle Eastern, 0.024%; no homozygotes.

Submission:

GeneDx
Classification: Uncertain significance. Last evaluated: 2019-03-27. Review status: criteria provided, single submitter. Criteria: GeneDx Variant Classification Process June 2021. Collection method: clinical testing. Allele origin: germline. Affected: yes.
Comment: Not observed in large population cohorts (Lek et al., 2016); Has not been previously published as pathogenic or benign to our knowledge; In silico analysis, which includes splice predictors and evolutionary conservation, suggests this variant may impact gene splicing. In the absence of RNA/functional studies, the actual effect of this sequence change is unknown.

NM_033380.3(COL4A5):c.1890A>G (p.Pro630=)

Gene: COL4A5 (collagen type IV alpha 5 chain; plus strand). Cytogenetic location: Xq22.3.
Variant type: single nucleotide variant.
Coding change: c.1890A>G on transcript NM_033380.3 (MANE Select); coding-DNA position 1890, A replaced by G.
Protein change: p.Pro630=; no amino-acid change (proline 630 retained).
Molecular consequence: synonymous variant.
Genome position (GRCh38, 1-based): chrX:108,598,812, A>G. VCF-style: chrX-108598812-A-G. GRCh37 (hg19) VCF-style: chrX-107842042-A-G.
Other names: c.1890A>G, p.Pro630= (NM_000495.5).
Identifiers: ClinVar variation 1308261 (VCV001308261.2), dbSNP rs2147813686, ClinGen allele CA517922455.